The following is an entry in ClinVar:

NM_006767.4(LZTR1):c.2471T>G (p.Leu824Arg)

Gene: LZTR1 (leucine zipper like post translational regulator 1; plus strand). Cytogenetic location: 22q11.21.
Variant type: single nucleotide variant.
Coding change: c.2471T>G on transcript NM_006767.4 (MANE Select); coding-DNA position 2471, T replaced by G.
Protein change: p.Leu824Arg; replaces leucine 824 with arginine.
Molecular consequence: missense variant.
Genome position (GRCh38, 1-based): chr22:20,997,296, T>G. VCF-style: chr22-20997296-T-G. GRCh37 (hg19) VCF-style: chr22-21351585-T-G.
Other names: short protein forms L824R.
Identifiers: ClinVar variation 3627993 (VCV003627993.2).

ClinVar aggregate classification (germline): Uncertain significance (1 of 4 stars; one submission).

gnomAD v4.1: 2 of 1,613,820 alleles (0.00012%); highest among the groups gnomAD compares: Non-Finnish European, 0.00017%; no homozygotes.

Submission:

Labcorp Genetics (formerly Invitae), Labcorp
Classification: Uncertain significance. Last evaluated: 2025-02-04. Review status: criteria provided, single submitter. Criteria: Invitae Variant Classification Sherloc (09022015). Collection method: clinical testing. Allele origin: germline.
Comment: This sequence change replaces leucine, which is neutral and non-polar, with arginine, which is basic and polar, at codon 824 of the LZTR1 protein (p.Leu824Arg). This variant is not present in population databases (gnomAD no frequency). This variant has not been reported in the literature in individuals affected with LZTR1-related conditions. Invitae Evidence Modeling of protein sequence and biophysical properties (such as structural, functional, and spatial information, amino acid conservation, physicochemical variation, residue mobility, and thermodynamic stability) indicates that this missense variant is not expected to disrupt LZTR1 protein function with a negative predictive value of 80%. In summary, the available evidence is currently insufficient to determine the role of this variant in disease. Therefore, it has been classified as a Variant of Uncertain Significance.